The following is an entry in ClinVar:

NM_012481.5(IKZF3):c.701G>C (p.Gly234Ala)

Gene: IKZF3 (IKAROS family zinc finger 3; minus strand). Cytogenetic location: 17q12.
Variant type: single nucleotide variant.
Coding change: c.701G>C on transcript NM_012481.5 (MANE Select); coding-DNA position 701, G replaced by C.
Protein change: p.Gly234Ala; replaces glycine 234 with alanine.
Molecular consequence: missense variant. On other transcripts: 5 prime UTR variant (2), intron variant (7).
Genome position (GRCh38, 1-based): chr17:39,788,266, C>G on the plus strand (G>C on the coding strand, the complement: IKZF3 is on the minus strand). VCF-style: chr17-39788266-C-G. GRCh37 (hg19) VCF-style: chr17-37944519-C-G.
Other names: p.Gly234Ala; c.599G>C, p.Gly200Ala (NM_001257408.2); c.440G>C, p.Gly147Ala (NM_001257410.2); c.272G>C, p.Gly91Ala (NM_001257411.2); c.-167G>C (NM_001284514.2, NM_001284515.2); c.533G>C, p.Gly178Ala (NM_183228.3); c.701G>C, p.Gly234Ala (NM_183230.3); c.490+3150G>C (NM_001257409.2); and 5 more; short protein forms G147A, G178A, G200A, G234A, G91A.
Identifiers: ClinVar variation 4684209 (VCV004684209.2).
Genomic context (GRCh38, chr17:39,788,266, plus strand): 5'-CTCACCACCTAGGACAGCAGATGCTCACTAAACGTGTGTTGCGTGAACTCACCAGTGTCC[C>G]CTGGGTCAGTGCTCTGAAGAAATGTACGGCAGCGCTCCTTGTGCTCCTCAAGGGAACTTC-3'
Protein context (NP_036613.2, residues 224-244): CRTFLQSTDP[Gly234Ala]DTASAEARHI

ClinVar aggregate classification (germline): Benign. Review status: criteria provided, multiple submitters, no conflicts (2 of 4 stars). 2 submissions from 2 submitters: Benign (2). Last evaluated 2025-06-09.

Conditions:
IKZF3-related condition.

gnomAD v4.1: 47,995 of 1,609,458 alleles (3%); highest among the groups gnomAD compares: Non-Finnish European, 3.4%; 868 homozygotes.

Submissions (2):

PreventionGenetics, part of Exact Sciences
Classification: Benign for IKZF3-related condition. Last evaluated: 2025-06-09. Review status: criteria provided, single submitter. Criteria: ACMG Guidelines, 2015. Collection method: clinical testing. Allele origin: germline.
Comment: This variant is classified as benign based on ACMG/AMP sequence variant interpretation guidelines (Richards et al. 2015 PMID: 25741868, with internal and published modifications).

Mayo Clinic Laboratories, Mayo Clinic
Classification: Benign. Last evaluated: 2024-04-02. Review status: criteria provided, single submitter. Criteria: ACMG Guidelines, 2015. Collection method: clinical testing. Allele origin: germline. Observed: 3 variant alleles.
Comment: BS1, BS2, BP4

Literature cited by the submitters: PubMed 35132093 (cited by Mayo Clinic Laboratories, Mayo Clinic).